The following is an entry in ClinVar:

NM_002047.4(GARS1):c.300C>G (p.Ala100=)

Gene: GARS1 (glycyl-tRNA synthetase 1; plus strand). Cytogenetic location: 7p14.3.
Variant type: single nucleotide variant.
Coding change: c.300C>G on transcript NM_002047.4 (MANE Select); coding-DNA position 300, C replaced by G.
Protein change: p.Ala100=; no amino-acid change (alanine 100 retained).
Molecular consequence: synonymous variant.
Genome position (GRCh38, 1-based): chr7:30,598,873, C>G. VCF-style: chr7-30598873-C-G. GRCh37 (hg19) VCF-style: chr7-30638489-C-G.
Other names: c.300C>G (NM_002047.3); c.138C>G, p.Ala46= (NM_001316772.1).
Identifiers: ClinVar variation 1680887 (VCV001680887.9), dbSNP rs781432743, ClinGen allele CA4205641.

ClinVar aggregate classification (germline): Likely benign. Review status: criteria provided, multiple submitters, no conflicts (2 of 4 stars). 2 submissions from 2 submitters: Likely benign (2). Last evaluated 2026-08-05.

Conditions:
Charcot-Marie-Tooth disease type 2. Also called: Charcot-Marie-Tooth type 2. Identifiers: Orphanet 64746, MedGen C0270914, MONDO:0018993.
GARS1-related disorder. Also called: GARS1-related condition.

Allele frequency attached by ClinVar (database versions not stated): gnomAD exomes below 0.00001; ExAC 0.00001; gnomAD 0.00001; TOPMed 0.00002.
gnomAD v4.1: 7 of 1,613,938 alleles (0.00043%); highest among the groups gnomAD compares: African/African-American, 0.0027%; no homozygotes.

Submissions (2):

PreventionGenetics, part of Exact Sciences
Classification: Likely benign for GARS1-related condition. Last evaluated: 2026-08-05. Review status: criteria provided, single submitter. Criteria: ACMG Guidelines, 2015. Collection method: clinical testing. Allele origin: germline.
Comment: This variant is classified as likely benign based on ACMG/AMP sequence variant interpretation guidelines (Richards et al. 2015 PMID: 25741868, with internal and published modifications).

Labcorp Genetics (formerly Invitae), Labcorp
Classification: Likely benign for Charcot-Marie-Tooth disease type 2. Last evaluated: 2025-05-07. Review status: criteria provided, single submitter. Criteria: Invitae Variant Classification Sherloc (09022015). Collection method: clinical testing. Allele origin: germline.